The following is an entry in ClinVar:

NM_003319.4:c.54366_54367insALU

Gene: TTN (titin; minus strand).
Variant type: Insertion.
Other names: c.54366_54367insALU (NM_003319.4).
Identifiers: ClinVar variation 4615298 (VCV004615298.1).

ClinVar aggregate classification (germline): Likely pathogenic (1 of 4 stars; one submission).

Conditions:
Cardiovascular phenotype. Identifiers: MedGen CN230736.

Submission:

Ambry Genetics
Classification: Likely pathogenic for Cardiovascular phenotype. Last evaluated: 2025-09-15. Review status: criteria provided, single submitter. Criteria: Ambry Variant Classification Scheme 2023. Collection method: clinical testing. Allele origin: germline.
Comment: The c.54366_54367insALU likely pathogenic variant results from the insertion of an Alu element between nucleotides 54366 and 54367 in coding exon 153 of the TTN gene. This exon is located in the A-band region of the N2-B isoform of the titin protein and is constitutively expressed in TTN transcripts (percent spliced in or PSI 100%). Mobile element insertions contribute to pathogenicity by either disrupting the coding sequence or inducing aberrant splicing (Belancio VP et al. Semin. Cancer Biol. 2010 Aug;20:200-10; Deininger P et al. Genome Biol. 2011 Dec;12:236; van der Klift HM Hum Mutat. 2012 Jul;33(7):1051-5). This variant is expected to result in loss of function by premature protein truncation or nonsense-mediated mRNA decay. While truncating variants in TTN are present in 1-3% of the general population, truncating variants in the A-band are the most common cause of dilated cardiomyopathy (Herman DS et al. N. Engl. J. Med., 2012 Feb;366:619-28; Roberts AM et al. Sci Transl Med, 2015 Jan;7:270ra6). TTN truncating variants encoded in constitutive exons (PSI >90%) have been found to be significantly associated with DCM regardless of their position in titin (Schafer S et al. Nat. Genet., 2017 01;49:46-53; Akhtar MM et al. Circ Heart Fail, 2020 Oct;13:e006832; Massier M et al. Clin Genet, 2025 Jan). Based on the majority of available evidence to date, this variant is likely to be pathogenic.